The following is an entry in ClinVar:

ClinVar aggregate classification (germline): Uncertain significance (1 of 4 stars; one submission).

Allele frequency attached by ClinVar (database versions not stated): ExAC 0.00002; gnomAD 0.00003; TOPMed 0.00005.
gnomAD v4.1: 41 of 1,614,098 alleles (0.0025%); highest among the groups gnomAD compares: East Asian, 0.022%; no homozygotes.

Submission:

Labcorp Genetics (formerly Invitae), Labcorp
Classification: Uncertain significance. Last evaluated: 2022-02-28. Review status: criteria provided, single submitter. Criteria: Invitae Variant Classification Sherloc (09022015). Collection method: clinical testing. Allele origin: germline.
Comment: This sequence change replaces serine, which is neutral and polar, with leucine, which is neutral and non-polar, at codon 1111 of the PCDH12 protein (p.Ser1111Leu). This variant is present in population databases (rs763342132, gnomAD 0.007%). This variant has not been reported in the literature in individuals affected with PCDH12-related conditions. Advanced modeling of protein sequence and biophysical properties (such as structural, functional, and spatial information, amino acid conservation, physicochemical variation, residue mobility, and thermodynamic stability) performed at Invitae indicates that this missense variant is not expected to disrupt PCDH12 protein function. In summary, the available evidence is currently insufficient to determine the role of this variant in disease. Therefore, it has been classified as a Variant of Uncertain Significance.

NM_016580.4(PCDH12):c.3332C>T (p.Ser1111Leu)

Gene: PCDH12 (protocadherin 12; minus strand). Cytogenetic location: 5q31.3.
Variant type: single nucleotide variant.
Coding change: c.3332C>T on transcript NM_016580.4 (MANE Select); coding-DNA position 3332, C replaced by T.
Protein change: p.Ser1111Leu; replaces serine 1111 with leucine.
Molecular consequence: missense variant.
Genome position (GRCh38, 1-based): chr5:141,945,604, G>A on the plus strand (C>T on the coding strand, the complement: PCDH12 is on the minus strand). VCF-style: chr5-141945604-G-A. GRCh37 (hg19) VCF-style: chr5-141325169-G-A.
Other names: short protein forms S1111L.
Identifiers: ClinVar variation 2181885 (VCV002181885.1), dbSNP rs763342132, ClinGen allele CA3483992.